The following is an entry in ClinVar:

NM_001290060.2(SEMA3B):c.2035C>A (p.Pro679Thr)

Gene: SEMA3B (semaphorin 3B; plus strand). Cytogenetic location: 3p21.31.
Variant type: single nucleotide variant.
Coding change: c.2035C>A on transcript NM_001290060.2 (MANE Select); coding-DNA position 2035, C replaced by A.
Protein change: p.Pro679Thr; replaces proline 679 with threonine.
Molecular consequence: missense variant. On other transcripts: non-coding transcript variant (1).
Genome position (GRCh38, 1-based): chr3:50,276,491, C>A. VCF-style: chr3-50276491-C-A. GRCh37 (hg19) VCF-style: chr3-50313922-C-A.
Other names: c.2032C>A, p.Pro678Thr (NM_001005914.3, NM_001435957.1, NM_001435958.1); c.2050C>A, p.Pro684Thr (NM_001290061.1); c.1006C>A, p.Pro336Thr (NM_001290062.2, NM_001290063.2); c.2035C>A, p.Pro679Thr (NM_001435956.1, NM_004636.4); short protein forms P678T, P679T, P684T, P336T.
Identifiers: ClinVar variation 4998929 (VCV004998929.1).

ClinVar aggregate classification (germline): Uncertain significance (1 of 4 stars; one submission).

Conditions:
SEMA3B-related disorder. Also called: SEMA3B-related condition.

Submission:

PreventionGenetics, part of Exact Sciences
Classification: Uncertain significance for SEMA3B-related condition. Last evaluated: 2026-06-20. Review status: criteria provided, single submitter. Criteria: ACMG Guidelines, 2015. Collection method: clinical testing. Allele origin: germline.
Comment: The SEMA3B c.2050C>A variant is predicted to result in the amino acid substitution p.Pro684Thr. To our knowledge, this variant has not been reported in the literature or in a large population database (gnomAD), indicating this variant is rare. At this time, the clinical significance of this variant is uncertain due to the absence of conclusive functional and genetic evidence.